The following is an entry in ClinVar:

ClinVar aggregate classification (germline): Conflicting classifications of pathogenicity. Review status: criteria provided, conflicting classifications (1 of 4 stars). 3 submissions from 3 submitters: Uncertain significance (1); Likely benign (2). Last evaluated 2026-04-13.

Conditions:
DBH-related disorder. Also called: DBH-related condition.
Orthostatic hypotension 1 (ORTHYP1). Also called: Dopamine beta-hydroxylase deficiency; Orthostatic hypotension 1, due to DBH deficiency; NORADRENALINE DEFICIENCY; NOREPINEPHRINE DEFICIENCY. Identifiers: Orphanet 230, MedGen C4746777, MONDO:0009123, OMIM 223360.

Allele frequency attached by ClinVar (database versions not stated): ESP Exome Variant Server 0.00008; gnomAD 0.00010; TOPMed 0.00013; ExAC 0.00015; gnomAD exomes 0.00019.
gnomAD v4.1: 199 of 1,614,090 alleles (0.012%); highest among the groups gnomAD compares: Middle Eastern, 0.25%; no homozygotes.

Submissions (3):

PreventionGenetics, part of Exact Sciences
Classification: Likely benign for DBH-related condition. Last evaluated: 2026-04-13. Review status: criteria provided, single submitter. Criteria: ACMG Guidelines, 2015. Collection method: clinical testing. Allele origin: germline.
Comment: This variant is classified as likely benign based on ACMG/AMP sequence variant interpretation guidelines (Richards et al. 2015 PMID: 25741868, with internal and published modifications).

Labcorp Genetics (formerly Invitae), Labcorp
Classification: Likely benign for Orthostatic hypotension 1. Last evaluated: 2025-09-01. Review status: criteria provided, single submitter. Criteria: Invitae Variant Classification Sherloc (09022015). Collection method: clinical testing. Allele origin: germline.

Illumina Laboratory Services, Illumina
Classification: Uncertain significance for Orthostatic hypotension 1. Last evaluated: 2018-01-13. Review status: criteria provided, single submitter. Criteria: ICSL Variant Classification Criteria 13 December 2019. Collection method: clinical testing. Allele origin: germline.

NM_000787.4(DBH):c.1094T>C (p.Met365Thr)

Gene: DBH (dopamine beta-hydroxylase; plus strand). Cytogenetic location: 9q34.2.
Variant type: single nucleotide variant.
Coding change: c.1094T>C on transcript NM_000787.4 (MANE Select); coding-DNA position 1094, T replaced by C.
Protein change: p.Met365Thr; replaces methionine 365 with threonine.
Molecular consequence: missense variant.
Genome position (GRCh38, 1-based): chr9:133,647,915, T>C. VCF-style: chr9-133647915-T-C. GRCh37 (hg19) VCF-style: chr9-136513037-T-C.
Other names: short protein forms M365T.
Identifiers: ClinVar variation 365657 (VCV000365657.16), dbSNP rs200103371, ClinGen allele CA5313313.